The following is an entry in ClinVar:

NM_005267.5(GJA8):c.137G>T (p.Gly46Val)

Gene: GJA8 (gap junction protein alpha 8; plus strand). Cytogenetic location: 1q21.2.
Variant type: single nucleotide variant.
Coding change: c.137G>T on transcript NM_005267.5 (MANE Select); coding-DNA position 137, G replaced by T.
Protein change: p.Gly46Val; replaces glycine 46 with valine.
Molecular consequence: missense variant.
Genome position (GRCh38, 1-based): chr1:147,908,092, G>T. VCF-style: chr1-147908092-G-T. GRCh37 (hg19) VCF-style: chr1-147380219-G-T.
Other names: short protein forms G46V.
Identifiers: ClinVar variation 3253714 (VCV003253714.3), dbSNP rs2524889140.

ClinVar aggregate classification (germline): Conflicting classifications of pathogenicity. Review status: criteria provided, conflicting classifications (1 of 4 stars). 2 submissions from 2 submitters: Pathogenic (1); Uncertain significance (1). Last evaluated 2024-10-22.

Conditions:
Cataract 1 multiple types. Also called: CATARACT, DUFFY-LINKED; CATARACT 1, NUCLEAR PROGRESSIVE; CATARACT 1 WITH MICROCORNEA; CATARACT 1, POSTERIOR SUBCAPSULAR, WITH MICROCORNEA; CATARACT 1, STELLATE NUCLEAR, WITH MICROCORNEA; CATARACT 1, MULTIPLE TYPES, WITH OR WITHOUT MICROCORNEA. Identifiers: Orphanet 1377, MedGen C1861828, MONDO:0007285, OMIM 116200.

Submissions (2):

Labcorp Genetics (formerly Invitae), Labcorp
Classification: Pathogenic for Cataract 1 multiple types. Last evaluated: 2024-10-22. Review status: criteria provided, single submitter. Criteria: Invitae Variant Classification Sherloc (09022015). Collection method: clinical testing. Allele origin: germline.
Comment: This sequence change replaces glycine, which is neutral and non-polar, with valine, which is neutral and non-polar, at codon 46 of the GJA8 protein (p.Gly46Val). This variant is not present in population databases (gnomAD no frequency). This missense change has been observed in individuals with autosomal dominant congenital cataracts (PMID: 19684000; internal data). Invitae Evidence Modeling of protein sequence and biophysical properties (such as structural, functional, and spatial information, amino acid conservation, physicochemical variation, residue mobility, and thermodynamic stability) indicates that this missense variant is expected to disrupt GJA8 protein function with a positive predictive value of 95%. Experimental studies have shown that this missense change affects GJA8 function (PMID: 19684000, 21228318). This variant disrupts the p.Gly46 amino acid residue in GJA8. Other variant(s) that disrupt this residue have been determined to be pathogenic (PMID: 21686328; internal data). This suggests that this residue is clinically significant, and that variants that disrupt this residue are likely to be disease-causing. For these reasons, this variant has been classified as Pathogenic.

Dept. Genetics and Cancer, Menzies Institute for Medical Research, University of Tasmania
Classification: Uncertain significance for Cataract 1 multiple types. Last evaluated: 2023-01-21. Review status: criteria provided, single submitter. Criteria: ACMG Guidelines, 2015. Collection method: curation. Allele origin: germline. Affected: yes.
Comment: Variant identified and curated during a GJA8 specific review of the literature in relation to pediatric or congenital cataract. ACMG-AMP criteria applied: PM1(Supporting), PM2(Supporting), PP3. Original variant report: PMID:19684000. The cataract phenotype reported for this variant is: Total. Gene review and curation guidelines are outlined in: DOI 10.1080/17469899.2023.2160320

Literature cited by the submitters: PubMed 19684000 (cited by Labcorp Genetics (formerly Invitae), Labcorp and Dept. Genetics and Cancer, Menzies Institute for Medical Research, University of Tasmania); PubMed 21228318 (cited by Labcorp Genetics (formerly Invitae), Labcorp); PubMed 21686328 (cited by Labcorp Genetics (formerly Invitae), Labcorp).